The following is an entry in ClinVar:

NM_001440.4(EXTL3):c.2112G>C (p.Glu704Asp)

Gene: EXTL3 (exostosin like glycosyltransferase 3; plus strand). Cytogenetic location: 8p21.1.
Variant type: single nucleotide variant.
Coding change: c.2112G>C on transcript NM_001440.4 (MANE Select); coding-DNA position 2112, G replaced by C.
Protein change: p.Glu704Asp; replaces glutamic acid 704 with aspartic acid.
Molecular consequence: missense variant.
Genome position (GRCh38, 1-based): chr8:28,718,171, G>C. VCF-style: chr8-28718171-G-C. GRCh37 (hg19) VCF-style: chr8-28575688-G-C.
Other names: c.2112G>C (NM_001440.2); short protein forms E704D.
Identifiers: ClinVar variation 1484543 (VCV001484543.5), dbSNP rs780049312, ClinGen allele CA4696333.

ClinVar aggregate classification (germline): Uncertain significance. Review status: criteria provided, multiple submitters, no conflicts (2 of 4 stars). 2 submissions from 2 submitters: Uncertain significance (2). Last evaluated 2025-08-04.

Conditions:
Inborn genetic diseases. Identifiers: MedGen C0950123, MeSH D030342.

Allele frequency attached by ClinVar (database versions not stated): ExAC 0.00002; gnomAD 0.00002; gnomAD exomes 0.00002; TOPMed 0.00002.
gnomAD v4.1: 59 of 1,614,100 alleles (0.0037%); highest among the groups gnomAD compares: Non-Finnish European, 0.0048%; no homozygotes.

Submissions (2):

Ambry Genetics
Classification: Uncertain significance for Inborn genetic diseases. Last evaluated: 2025-08-04. Review status: criteria provided, single submitter. Criteria: Ambry Variant Classification Scheme 2023. Collection method: clinical testing. Allele origin: germline.

Labcorp Genetics (formerly Invitae), Labcorp
Classification: Uncertain significance. Last evaluated: 2022-10-25. Review status: criteria provided, single submitter. Criteria: Invitae Variant Classification Sherloc (09022015). Collection method: clinical testing. Allele origin: germline.
Comment: In summary, the available evidence is currently insufficient to determine the role of this variant in disease. Therefore, it has been classified as a Variant of Uncertain Significance. Advanced modeling of protein sequence and biophysical properties (such as structural, functional, and spatial information, amino acid conservation, physicochemical variation, residue mobility, and thermodynamic stability) performed at Invitae indicates that this missense variant is not expected to disrupt EXTL3 protein function. ClinVar contains an entry for this variant (Variation ID: 1484543). This variant has not been reported in the literature in individuals affected with EXTL3-related conditions. This variant is present in population databases (rs780049312, gnomAD 0.006%). This sequence change replaces glutamic acid, which is acidic and polar, with aspartic acid, which is acidic and polar, at codon 704 of the EXTL3 protein (p.Glu704Asp).